The following is an entry in ClinVar:

ClinVar aggregate classification (germline): Uncertain significance (1 of 4 stars; one submission).

Conditions:
Hereditary cancer-predisposing syndrome. Also called: Neoplastic Syndromes, Hereditary; Tumor predisposition; Hereditary neoplastic syndrome; Hereditary Cancer Syndrome. Identifiers: Orphanet 140162, MedGen C0027672, MeSH D009386, MONDO:0015356.

Submission:

Ambry Genetics
Classification: Uncertain significance for Hereditary cancer-predisposing syndrome. Last evaluated: 2026-07-06. Review status: criteria provided, single submitter. Criteria: Ambry Variant Classification Scheme 2023. Collection method: clinical testing. Allele origin: germline.
Comment: The p.L230F variant (also known as c.690G>T), located in coding exon 6 of the NBN gene, results from a G to T substitution at nucleotide position 690. The leucine at codon 230 is replaced by phenylalanine, an amino acid with highly similar properties. This amino acid position is conserved. In addition, this alteration is predicted to be deleterious by in silico analysis. Based on the available evidence, the clinical significance of this variant remains unclear.

NM_002485.5(NBN):c.690G>T (p.Leu230Phe)

Gene: NBN (nibrin; minus strand). Cytogenetic location: 8q21.3.
Variant type: single nucleotide variant.
Coding change: c.690G>T on transcript NM_002485.5 (MANE Select); coding-DNA position 690, G replaced by T.
Protein change: p.Leu230Phe; replaces leucine 230 with phenylalanine.
Molecular consequence: missense variant.
Genome position (GRCh38, 1-based): chr8:89,971,185, C>A on the plus strand (G>T on the coding strand, the complement: NBN is on the minus strand). VCF-style: chr8-89971185-C-A. GRCh37 (hg19) VCF-style: chr8-90983413-C-A.
Other names: c.444G>T, p.Leu148Phe (NM_001024688.3, NM_001440379.1, NM_001440380.1); short protein forms L148F, L230F.
Identifiers: ClinVar variation 5025362 (VCV005025362.1).